The following is an entry in ClinVar:

NM_002474.3(MYH11):c.2860-8C>A

Gene: MYH11 (myosin heavy chain 11; minus strand). Cytogenetic location: 16p13.11.
Variant type: single nucleotide variant.
Coding change: c.2860-8C>A on transcript NM_002474.3 (MANE Select); 8 bases into the intron before coding-DNA position 2860, C replaced by A.
Molecular consequence: intron variant.
Genome position (GRCh38, 1-based): chr16:15,740,196, G>T on the plus strand (C>A on the coding strand, the complement: MYH11 is on the minus strand). VCF-style: chr16-15740196-G-T. GRCh37 (hg19) VCF-style: chr16-15834053-G-T.
Other names: c.2860-8C>A (NM_022844.3); c.2881-8C>A (NM_001040114.2, NM_001040113.2).
Identifiers: ClinVar variation 465719 (VCV000465719.10), dbSNP rs1471253618, ClinGen allele CA621068597.
Genomic context (GRCh38, chr16:15,740,196, plus strand): 5'-AGTTGCAGCTTCTGCCTGGCAGCTTCCTCCTCCTCCAGCTGTTCTTCAAGGTCCTTTGTT[G>T]TGGAGGGAAAAGAGTAACAGCTTTGGTTATAACAGATTTACTCTCGTGGTGATCTGGGGA-3'

ClinVar aggregate classification (germline): Conflicting classifications of pathogenicity. Review status: criteria provided, conflicting classifications (1 of 4 stars). 2 submissions from 2 submitters: Uncertain significance (1); Likely benign (1). Last evaluated 2024-02-24.

Conditions:
Familial thoracic aortic aneurysm and aortic dissection (TAAD). Also called: Thoracic aortic aneurysms and dissections. Identifiers: Orphanet 91387, MedGen C4707243, MONDO:0019625.
Aortic aneurysm, familial thoracic 4 (AAT4). Also called: AORTIC ANEURYSM/AORTIC DISSECTION AND PATENT DUCTUS ARTERIOSUS. Identifiers: MedGen C1851504, MONDO:0007568, OMIM 132900.

Allele frequency attached by ClinVar (database versions not stated): gnomAD exomes below 0.00001.
gnomAD v4.1: 3 of 1,614,140 alleles (0.00019%); highest among the groups gnomAD compares: Non-Finnish European, 0.00025%; no homozygotes.

Submissions (2):

Labcorp Genetics (formerly Invitae), Labcorp
Classification: Likely benign for Aortic aneurysm, familial thoracic 4. Last evaluated: 2024-02-24. Review status: criteria provided, single submitter. Criteria: Invitae Variant Classification Sherloc (09022015). Collection method: clinical testing. Allele origin: germline.

Color Diagnostics, LLC DBA Color Health
Classification: Uncertain significance for Familial thoracic aortic aneurysm and aortic dissection. Last evaluated: 2021-03-16. Review status: criteria provided, single submitter. Criteria: ACMG Guidelines, 2015. Collection method: clinical testing. Allele origin: germline.
Comment: This variant causes a C to A nucleotide substitution at the -8 position of intron 23 of the MYH11 gene. Splice prediction tools and conservation analysis are inconclusive regarding the impact of this variant on RNA splicing. To our knowledge, functional studies have not been reported for this variant. This variant has not been reported in individuals affected with cardiovascular disorders in the literature. This variant has been identified in 1/251480 chromosomes in the general population by the Genome Aggregation Database (gnomAD). The available evidence is insufficient to determine the role of this variant in disease conclusively. Therefore, this variant is classified as a Variant of Uncertain Significance.